The following is an entry in ClinVar:

NM_001276345.2(TNNT2):c.408G>C (p.Arg136Ser)

Gene: TNNT2 (troponin T2, cardiac type; minus strand). Cytogenetic location: 1q32.1.
Variant type: single nucleotide variant.
Coding change: c.408G>C on transcript NM_001276345.2 (MANE Select); coding-DNA position 408, G replaced by C.
Protein change: p.Arg136Ser; replaces arginine 136 with serine.
Molecular consequence: missense variant. On other transcripts: intron variant (1).
Genome position (GRCh38, 1-based): chr1:201,365,194, C>G on the plus strand (G>C on the coding strand, the complement: TNNT2 is on the minus strand). VCF-style: chr1-201365194-C-G. GRCh37 (hg19) VCF-style: chr1-201334322-C-G.
Other names: c.408G>C, p.Arg136Ser (NM_000364.4); c.378G>C, p.Arg126Ser (NM_001001430.3, NM_001001431.3, NM_001276347.2); c.363G>C, p.Arg121Ser (NM_001001432.3); c.291+416G>C (NM_001276346.2); short protein forms R121S, R126S, R136S.
Identifiers: ClinVar variation 1171755 (VCV001171755.8), dbSNP rs2102260528, ClinGen allele CA344206163.

ClinVar aggregate classification (germline): Uncertain significance. Review status: criteria provided, multiple submitters, no conflicts (2 of 4 stars). 7 submissions from 5 submitters: Uncertain significance (7). Last evaluated 2025-12-17.

Conditions:
Cardiovascular phenotype. Identifiers: MedGen CN230736.
Cardiomyopathy (CMYO). Also called: Cardiomyopathies. Identifiers: Orphanet 167848, MedGen C0878544, MONDO:0004994, HP:0001638. Inheritance: Various modes of inheritance.
Cardiomyopathy, familial restrictive, 3. Identifiers: Orphanet 75249, MedGen C2676271, MONDO:0012900, OMIM 612422.
Hypertrophic cardiomyopathy 2. Also called: TNNT2-Related Familial Hypertrophic Cardiomyopathy. Identifiers: MedGen C1861864, MONDO:0007266, OMIM 115195.
Dilated cardiomyopathy 1D. Identifiers: Orphanet 154, Orphanet 54260, MedGen C1832243, MONDO:0011095, OMIM 601494.

Allele frequency attached by ClinVar (database versions not stated): gnomAD exomes below 0.00001.

Submissions (7):

Color Diagnostics, LLC DBA Color Health
Classification: Uncertain significance for Cardiomyopathy. Last evaluated: 2025-12-17. Review status: criteria provided, single submitter. Criteria: ACMG Guidelines, 2015. Collection method: clinical testing. Allele origin: germline.
Comment: This missense variant replaces arginine with serine at codon 126 of the TNNT2 protein. Computational prediction suggests that this variant may have deleterious impact on protein structure and function. To our knowledge, functional studies have not been reported for this variant. This variant has not been reported in individuals affected with TNNT2-related disorders in the literature. This variant has been identified in 5/1613426 chromosomes in the general population by the Genome Aggregation Database (gnomAD). The available evidence is insufficient to determine the role of this variant in disease conclusively. Therefore, this variant is classified as a Variant of Uncertain Significance.

All of Us Research Program, National Institutes of Health
Classification: Uncertain significance for Cardiomyopathy. Last evaluated: 2024-01-11. Review status: criteria provided, single submitter. Criteria: ACMG Guidelines, 2015. Collection method: clinical testing. Allele origin: germline. Inheritance: Autosomal dominant inheritance. Observed: 1 variant allele, 1 heterozygote.
Comment: This study involves interpretation of variants in research participants for the purpose of population health screening. Participant phenotype was not available at the time of variant classification. Additional details can be found in publication PMID: 35346344, PMCID: PMC8962531

Genome-Nilou Lab
Classification: Uncertain significance for Dilated cardiomyopathy 1D. Last evaluated: 2023-04-11. Review status: criteria provided, single submitter. Criteria: ACMG Guidelines, 2015. Collection method: clinical testing. Allele origin: germline. Affected: no.

Genome-Nilou Lab
Classification: Uncertain significance for Cardiomyopathy, familial restrictive, 3. Last evaluated: 2023-04-11. Review status: criteria provided, single submitter. Criteria: ACMG Guidelines, 2015. Collection method: clinical testing. Allele origin: germline. Affected: no.

Genome-Nilou Lab
Classification: Uncertain significance for Hypertrophic cardiomyopathy 2. Last evaluated: 2023-04-11. Review status: criteria provided, single submitter. Criteria: ACMG Guidelines, 2015. Collection method: clinical testing. Allele origin: germline. Affected: no.

Ambry Genetics
Classification: Uncertain significance for Cardiovascular phenotype. Last evaluated: 2022-07-27. Review status: criteria provided, single submitter. Criteria: Ambry Variant Classification Scheme 2023. Collection method: clinical testing. Allele origin: germline.
Comment: The p.R126S variant (also known as c.378G>C), located in coding exon 8 of the TNNT2 gene, results from a G to C substitution at nucleotide position 378. The arginine at codon 126 is replaced by serine, an amino acid with dissimilar properties. Another alteration affecting the same amino acid, p.R126W (c.376A>T), has been reported in association with hypertrophic cardiomyopathy (HCM) (designated as p.R136W (c.406A>T) in this publication) (Santos S et al. BMC Med. Genet., 2012 Mar;13:17). This amino acid position is highly conserved in available vertebrate species. In addition, this alteration is predicted to be deleterious by in silico analysis. Since supporting evidence is limited at this time, the clinical significance of this alteration remains unclear.

Victorian Clinical Genetics Services, Murdoch Childrens Research Institute
Classification: Uncertain significance for Dilated cardiomyopathy 1D. Last evaluated: 2021-05-06. Review status: criteria provided, single submitter. Criteria: ACMG Guidelines, 2015. Collection method: clinical testing. Allele origin: germline. Inheritance: Autosomal dominant inheritance. Affected: yes.
Comment: Based on the classification scheme VCGS_Germline_v1.3.4, this variant is classified as VUS-3A. Following criteria are met: 0105 - The mechanism of disease for this gene is not clearly established. Functional studies have suggested loss-of-function, gain-of-function and dominant-negative mechanisms based on calcium sensitivity, contractibility and mouse models. ClinGen has concluded that there is no evidence for haploinsufficiency for this gene (PMID: 18612386, 32098556, 33025817, ClinGen). (I) 0107 - This gene is associated with autosomal dominant disease. (I) 0115 - Variants in this gene are known to have variable expressivity. Variants in this gene have been reported to cause both hypertrophic cardiomyopathy (HCM) and dilated cardiomyopathy within a single family (PMID: 26507537). (I) 0200 - Variant is predicted to result in a missense amino acid change from arginine to serine. (I) 0251 - This variant is heterozygous. (I) 0301 - Variant is absent from gnomAD (both v2 and v3). (SP) 0309 - An alternative amino acid change at the same position has been observed in gnomAD (v3) (1 heterozygote, 0 homozygotes). (I) 0501 - Missense variant consistently predicted to be damaging by multiple in silico tools or highly conserved with a major amino acid change. (SP) 0600 - Variant is located in the annotated troponin domain (NCBI). (I) 0710 - Another missense variant comparable to the one identified in this case has inconclusive previous evidence for pathogenicity. This variant (p.Arg136Trp) has been reported as a VUS (ClinVar), and identified in another individual with HCM with no information provided (PMID: 22429680). (I) 0807 - This variant has no previous evidence of pathogenicity. (I) 0905 - No published segregation evidence has been identified for this variant. (I) 1007 - No published functional evidence has been identified for this variant. (I) 1208 - Inheritance information for this variant is not currently available in this individual. (I) Legend: (SP) - Supporting pathogenic, (I) - Information, (SB) - Supporting benign

Literature cited by the submitters: PubMed 18612386 (cited by Victorian Clinical Genetics Services, Murdoch Childrens Research Institute); PubMed 22429680 (cited by Victorian Clinical Genetics Services, Murdoch Childrens Research Institute); PubMed 26507537 (cited by Victorian Clinical Genetics Services, Murdoch Childrens Research Institute); PubMed 32098556 (cited by Victorian Clinical Genetics Services, Murdoch Childrens Research Institute); PubMed 33025817 (cited by Victorian Clinical Genetics Services, Murdoch Childrens Research Institute).